The following is an entry in ClinVar:

ClinVar aggregate classification (germline): Uncertain significance (1 of 4 stars; one submission).

Conditions:
Inborn genetic diseases. Identifiers: MedGen C0950123, MeSH D030342.

Submission:

Ambry Genetics
Classification: Uncertain significance for Inborn genetic diseases. Last evaluated: 2025-04-28. Review status: criteria provided, single submitter. Criteria: Ambry Variant Classification Scheme 2023. Collection method: clinical testing. Allele origin: germline.
Comment: The p.H427R variant (also known as c.1280A>G), located in coding exon 1 of the SAMD9 gene, results from an A to G substitution at nucleotide position 1280. The histidine at codon 427 is replaced by arginine, an amino acid with highly similar properties. This amino acid position is conserved. In addition, this alteration is predicted to be tolerated by in silico analysis. Based on the available evidence, the clinical significance of this variant remains unclear.

NM_017654.4(SAMD9):c.1280A>G (p.His427Arg)

Gene: SAMD9 (sterile alpha motif domain containing 9; minus strand). Cytogenetic location: 7q21.2.
Variant type: single nucleotide variant.
Coding change: c.1280A>G on transcript NM_017654.4 (MANE Select); coding-DNA position 1280, A replaced by G.
Protein change: p.His427Arg; replaces histidine 427 with arginine.
Molecular consequence: missense variant.
Genome position (GRCh38, 1-based): chr7:93,104,818, T>C on the plus strand (A>G on the coding strand, the complement: SAMD9 is on the minus strand). VCF-style: chr7-93104818-T-C. GRCh37 (hg19) VCF-style: chr7-92734131-T-C.
Other names: c.1280A>G, p.His427Arg (NM_001193307.2); short protein forms H427R.
Identifiers: ClinVar variation 3949592 (VCV003949592.1).